The following is an entry in ClinVar:

NM_001205293.3(CACNA1E):c.4490T>C (p.Met1497Thr)

Gene: CACNA1E (calcium voltage-gated channel subunit alpha1 E; plus strand). Cytogenetic location: 1q25.3.
Variant type: single nucleotide variant.
Coding change: c.4490T>C on transcript NM_001205293.3 (MANE Select); coding-DNA position 4490, T replaced by C.
Protein change: p.Met1497Thr; replaces methionine 1497 with threonine.
Molecular consequence: missense variant.
Genome position (GRCh38, 1-based): chr1:181,758,107, T>C. VCF-style: chr1-181758107-T-C. GRCh37 (hg19) VCF-style: chr1-181727243-T-C.
Other names: c.4490T>C, p.Met1497Thr (NM_000721.4); c.4433T>C, p.Met1478Thr (NM_001205294.2); c.4490T>C (NM_000721.3); short protein forms M1478T, M1497T.
Identifiers: ClinVar variation 2228794 (VCV002228794.4), dbSNP rs2528987116, ClinGen allele CA343625318.
Genomic context (GRCh38, chr1:181,758,107, plus strand): 5'-CTCCGTCCTTTGAGTACACCATTATGGCCATGATCGCCTTGAATACTGTTGTGCTGATGA[T>C]GAAGGTGAGAGGAGAGAGGCACAAGAGCCGACTGAGCCCCAGCGATGGTTCCCTCCCAGG-3'
Protein context (NP_001192222.1, residues 1487-1507): MIALNTVVLM[Met1497Thr]KYYSAPCTYE

ClinVar aggregate classification (germline): Uncertain significance. Review status: criteria provided, multiple submitters, no conflicts (2 of 4 stars). 2 submissions from 2 submitters: Uncertain significance (2). Last evaluated 2025-05-15.

Conditions:
Inborn genetic diseases. Identifiers: MedGen C0950123, MeSH D030342.

Submissions (2):

GeneDx
Classification: Uncertain significance. Last evaluated: 2025-05-15. Review status: criteria provided, single submitter. Criteria: GeneDx Variant Classification Process June 2021. Collection method: clinical testing. Allele origin: germline.
Comment: Not observed at significant frequency in large population cohorts (gnomAD); In silico analysis supports that this missense variant has a deleterious effect on protein structure/function; Has not been previously published as pathogenic or benign to our knowledge

Ambry Genetics
Classification: Uncertain significance for Inborn genetic diseases. Last evaluated: 2021-01-21. Review status: criteria provided, single submitter. Criteria: Ambry Variant Classification Scheme 2023. Collection method: clinical testing. Allele origin: germline.